The following is an entry in ClinVar:

NM_004006.3(DMD):c.3281del (p.Leu1093_Leu1094insTer)

Gene: DMD (dystrophin; minus strand). Cytogenetic location: Xp21.1.
Variant type: Deletion.
Coding change: c.3281del on transcript NM_004006.3 (MANE Select); coding-DNA position 3281, one base deleted (T; older notation c.3281delT).
Protein change: p.Leu1093_Leu1094insTer.
Molecular consequence: nonsense.
Genome position (GRCh38, 1-based): chrX:32,463,590, A deleted on the plus strand (T on the coding strand, the reverse complement: DMD is on the minus strand); the first of 4 consecutive A bases (chrX:32,463,590-32,463,593); deleting any one gives the same sequence. VCF-style (leftmost placement, unchanged base first): chrX-32463589-TA-T. GRCh37 (hg19) VCF-style: chrX-32481706-TA-T.
Other names: c.3257del, p.Leu1085_Leu1086insTer (NM_000109.4); c.3269del, p.Leu1089_Leu1090insTer (NM_004009.3); c.2912del, p.Leu970_Leu971insTer (NM_004010.3).
Identifiers: ClinVar variation 1429443 (VCV001429443.8), dbSNP rs2148419938, ClinGen allele CA2573158958.
Genomic context (GRCh38, chrX:32,463,589, plus strand): 5'-CTTCTGCCCACCTTCATTGACACTGTTTAGACTGGGCTGAATTGTCTGAATATCACTGAC[TA>T]AAAGCTAAGAAAATAAATCAATTTAAGCCAGCTGAAAAAAATTACTGCCACATATTAGAT-3'

ClinVar aggregate classification (germline): Pathogenic (1 of 4 stars; one submission).

Conditions:
Duchenne muscular dystrophy (DMD). Also called: MUSCULAR DYSTROPHY, PSEUDOHYPERTROPHIC PROGRESSIVE, DUCHENNE TYPE; Duchenne Muscular Dystrophy (DMD). Identifiers: Orphanet 98896, MedGen C0013264, MONDO:0010679, OMIM 310200.

Submission:

Labcorp Genetics (formerly Invitae), Labcorp
Classification: Pathogenic for Duchenne muscular dystrophy. Last evaluated: 2021-02-14. Review status: criteria provided, single submitter. Criteria: Invitae Variant Classification Sherloc (09022015). Collection method: clinical testing. Allele origin: germline.
Comment: This variant is not present in population databases (ExAC no frequency). This nonsense variant has been observed in individual(s) with DMD-related conditions (PMID: 25007885). For these reasons, this variant has been classified as Pathogenic. This sequence change creates a premature translational stop signal (p.Leu1094*) in the DMD gene. It is expected to result in an absent or disrupted protein product. Loss-of-function variants in DMD are known to be pathogenic (PMID: 16770791, 25007885).

Literature cited by the submitters: PubMed 25007885; PubMed 16770791.